The following is an entry in ClinVar:

NM_000059.4(BRCA2):c.8300C>A (p.Pro2767His)

Gene: BRCA2 (BRCA2 DNA repair associated; plus strand). Cytogenetic location: 13q13.1.
Variant type: single nucleotide variant.
Coding change: c.8300C>A on transcript NM_000059.4 (MANE Select); coding-DNA position 8300, C replaced by A.
Protein change: p.Pro2767His; replaces proline 2767 with histidine.
Molecular consequence: missense variant.
Genome position (GRCh38, 1-based): chr13:32,363,502, C>A. VCF-style: chr13-32363502-C-A. GRCh37 (hg19) VCF-style: chr13-32937639-C-A.
Other names: c.8204C>A, p.Pro2735His (NM_001406719.1); c.8300C>A, p.Pro2767His (NM_001406720.1); c.3368C>A, p.Pro1123His (NM_001406721.1); c.1883C>A, p.Pro628His (NM_001406722.1); short protein forms P1123H, P2735H, P628H, P2767H.
Identifiers: ClinVar variation 1762841 (VCV001762841.6), dbSNP rs397507401, ClinGen allele CA387750167.

ClinVar aggregate classification (germline): Uncertain significance. Review status: criteria provided, multiple submitters, no conflicts (2 of 4 stars). 3 submissions from 3 submitters: Uncertain significance (3). Last evaluated 2024-05-26.

Conditions:
Hereditary cancer-predisposing syndrome. Also called: Neoplastic Syndromes, Hereditary; Tumor predisposition; Hereditary Cancer Syndrome; Hereditary neoplastic syndrome. Identifiers: Orphanet 140162, MedGen C0027672, MeSH D009386, MONDO:0015356.
Hereditary breast ovarian cancer syndrome. Also called: Hereditary breast and ovarian cancer; Hereditary breast and ovarian cancer syndrome (HBOC); BRCA1- and BRCA2-Associated Hereditary Breast and Ovarian Cancer; Breast and ovarian cancer; Hereditary breast and/or ovarian cancer syndrome; Hereditary breast and ovarian cancer syndrome. Identifiers: Orphanet 145, MedGen C0677776, MeSH D061325, MONDO:0003582. Disease mechanism: loss of function.

Submissions (3):

Labcorp Genetics (formerly Invitae), Labcorp
Classification: Uncertain significance for Hereditary breast ovarian cancer syndrome. Last evaluated: 2024-05-26. Review status: criteria provided, single submitter. Criteria: Invitae Variant Classification Sherloc (09022015). Collection method: clinical testing. Allele origin: germline.
Comment: This sequence change replaces proline, which is neutral and non-polar, with histidine, which is basic and polar, at codon 2767 of the BRCA2 protein (p.Pro2767His). This variant is not present in population databases (gnomAD no frequency). This variant has not been reported in the literature in individuals affected with BRCA2-related conditions. ClinVar contains an entry for this variant (Variation ID: 1762841). Advanced modeling of protein sequence and biophysical properties (such as structural, functional, and spatial information, amino acid conservation, physicochemical variation, residue mobility, and thermodynamic stability) has been performed at Invitae for this missense variant, however the output from this modeling did not meet the statistical confidence thresholds required to predict the impact of this variant on BRCA2 protein function. In summary, the available evidence is currently insufficient to determine the role of this variant in disease. Therefore, it has been classified as a Variant of Uncertain Significance.

Color Diagnostics, LLC DBA Color Health
Classification: Uncertain significance for Hereditary cancer-predisposing syndrome. Last evaluated: 2023-08-07. Review status: criteria provided, single submitter. Criteria: ACMG Guidelines, 2015. Collection method: clinical testing. Allele origin: germline.
Comment: This missense variant replaces proline with histidine at codon 2767 of the BRCA2 protein. Computational prediction suggests that this variant may have deleterious impact on protein structure and function (internally defined REVEL score threshold >= 0.7, PMID: 27666373). To our knowledge, functional studies have not been reported for this variant. This variant has not been reported in individuals affected with BRCA2-related disorders in the literature. This variant has not been identified in the general population by the Genome Aggregation Database (gnomAD). The available evidence is insufficient to determine the role of this variant in disease conclusively. Therefore, this variant is classified as a Variant of Uncertain Significance.

Ambry Genetics
Classification: Uncertain significance for Hereditary cancer-predisposing syndrome. Last evaluated: 2022-08-29. Review status: criteria provided, single submitter. Criteria: Ambry Variant Classification Scheme 2023. Collection method: clinical testing. Allele origin: germline.
Comment: The p.P2767H variant (also known as c.8300C>A), located in coding exon 17 of the BRCA2 gene, results from a C to A substitution at nucleotide position 8300. The proline at codon 2767 is replaced by histidine, an amino acid with similar properties. This amino acid position is conserved. In addition, this alteration is predicted to be deleterious by in silico analysis. Since supporting evidence is limited at this time, the clinical significance of this alteration remains unclear.